The following is an entry in ClinVar:

NM_015466.4(PTPN23):c.1003+4G>A

Gene: PTPN23 (protein tyrosine phosphatase non-receptor type 23; plus strand). Cytogenetic location: 3p21.31.
Variant type: single nucleotide variant.
Coding change: c.1003+4G>A on transcript NM_015466.4 (MANE Select); 4 bases into the intron after coding-DNA position 1003, G replaced by A.
Molecular consequence: intron variant.
Genome position (GRCh38, 1-based): chr3:47,407,588, G>A. VCF-style: chr3-47407588-G-A. GRCh37 (hg19) VCF-style: chr3-47449078-G-A.
Other names: c.625+4G>A (NM_001304482.2).
Identifiers: ClinVar variation 1406945 (VCV001406945.6), dbSNP rs1200249357, ClinGen allele CA543043041.
Genomic context (GRCh38, chr3:47,407,588, plus strand): 5'-ACGACTTCATTTACCATGAGGCTGTCCCAGCATTGGACACTCTTCAGCCTGTAAAAGGTC[G>A]GGGAGCTGAGAGGTGGGGGCAGAGGTGACGGTGGGGTGGGGACAGGACACAGGAGGCTGC-3'

ClinVar aggregate classification (germline): Conflicting classifications of pathogenicity. Review status: criteria provided, conflicting classifications (1 of 4 stars). 3 submissions from 3 submitters: Uncertain significance (2); Likely benign (1). Last evaluated 2024-09-20.

Conditions:
Neurodevelopmental disorder and structural brain anomalies with or without seizures and spasticity. Identifiers: MedGen C5394423, MONDO:0030046, OMIM 618890.

Allele frequency attached by ClinVar (database versions not stated): TOPMed 0.00002; gnomAD 0.00001; gnomAD exomes 0.00001.

Submissions (3):

3billion
Classification: Likely benign for Neurodevelopmental disorder and structural brain anomalies with or without seizures and spasticity. Last evaluated: 2024-09-20. Review status: criteria provided, single submitter. Criteria: ACMG Guidelines, 2015. Collection method: clinical testing. Allele origin: germline. Affected: no.
Comment: The homozygous variant was found in patients diagnosed with another variant in a different gene, with no symptoms related to the gene containing the homozygous variant.

Labcorp Genetics (formerly Invitae), Labcorp
Classification: Uncertain significance. Last evaluated: 2024-01-15. Review status: criteria provided, single submitter. Criteria: Invitae Variant Classification Sherloc (09022015). Collection method: clinical testing. Allele origin: germline.
Comment: This sequence change falls in intron 12 of the PTPN23 gene. It does not directly change the encoded amino acid sequence of the PTPN23 protein. It affects a nucleotide within the consensus splice site. This variant is present in population databases (no rsID available, gnomAD 0.01%). This variant has not been reported in the literature in individuals affected with PTPN23-related conditions. ClinVar contains an entry for this variant (Variation ID: 1406945). Variants that disrupt the consensus splice site are a relatively common cause of aberrant splicing (PMID: 17576681, 9536098). Algorithms developed to predict the effect of sequence changes on RNA splicing suggest that this variant is not likely to affect RNA splicing. In summary, the available evidence is currently insufficient to determine the role of this variant in disease. Therefore, it has been classified as a Variant of Uncertain Significance.

Breakthrough Genomics
Classification: Uncertain significance. Review status: criteria provided, single submitter. Criteria: ACMG Guidelines, 2015. Collection method: not provided. Allele origin: germline. Inheritance: Autosomal recessive inheritance. Affected: yes.

Literature cited by the submitters: PubMed 17576681 (cited by Labcorp Genetics (formerly Invitae), Labcorp); PubMed 9536098 (cited by Labcorp Genetics (formerly Invitae), Labcorp).